The following is an entry in ClinVar:

NM_022437.3(ABCG8):c.1492C>T (p.Leu498Phe)

Gene: ABCG8 (ATP binding cassette subfamily G member 8; plus strand). Cytogenetic location: 2p21.
Variant type: single nucleotide variant.
Coding change: c.1492C>T on transcript NM_022437.3 (MANE Select); coding-DNA position 1492, C replaced by T.
Protein change: p.Leu498Phe; replaces leucine 498 with phenylalanine.
Molecular consequence: missense variant.
Genome position (GRCh38, 1-based): chr2:43,875,149, C>T. VCF-style: chr2-43875149-C-T. GRCh37 (hg19) VCF-style: chr2-44102288-C-T.
Other names: c.1489C>T, p.Leu497Phe (NM_001357321.2); short protein forms L497F, L498F.
Identifiers: ClinVar variation 4737187 (VCV004737187.1).

ClinVar aggregate classification (germline): Uncertain significance (1 of 4 stars; one submission).

Submission:

Labcorp Genetics (formerly Invitae), Labcorp
Classification: Uncertain significance. Last evaluated: 2025-02-18. Review status: criteria provided, single submitter. Criteria: Invitae Variant Classification Sherloc (09022015). Collection method: clinical testing. Allele origin: germline.
Comment: This sequence change replaces leucine, which is neutral and non-polar, with phenylalanine, which is neutral and non-polar, at codon 498 of the ABCG8 protein (p.Leu498Phe). This variant is not present in population databases (gnomAD no frequency). This variant has not been reported in the literature in individuals affected with ABCG8-related conditions. Invitae Evidence Modeling of protein sequence and biophysical properties (such as structural, functional, and spatial information, amino acid conservation, physicochemical variation, residue mobility, and thermodynamic stability) indicates that this missense variant is not expected to disrupt ABCG8 protein function with a negative predictive value of 80%. In summary, the available evidence is currently insufficient to determine the role of this variant in disease. Therefore, it has been classified as a Variant of Uncertain Significance.